The following is an entry in ClinVar:

NM_000562.3(C8A):c.1147C>T (p.Gln383Ter)

Gene: C8A (complement C8 alpha chain; plus strand). Cytogenetic location: 1p32.2.
Variant type: single nucleotide variant.
Coding change: c.1147C>T on transcript NM_000562.3 (MANE Select); coding-DNA position 1147, C replaced by T.
Protein change: p.Gln383Ter; replaces glutamine 383 with a stop codon.
Molecular consequence: nonsense.
Genome position (GRCh38, 1-based): chr1:56,906,717, C>T. VCF-style: chr1-56906717-C-T. GRCh37 (hg19) VCF-style: chr1-57372390-C-T.
Other names: short protein forms Q383*.
Identifiers: ClinVar variation 3713796 (VCV003713796.2).

ClinVar aggregate classification (germline): Pathogenic (1 of 4 stars; one submission).

Submission:

Labcorp Genetics (formerly Invitae), Labcorp
Classification: Pathogenic. Last evaluated: 2024-10-28. Review status: criteria provided, single submitter. Criteria: Invitae Variant Classification Sherloc (09022015). Collection method: clinical testing. Allele origin: germline.
Comment: This sequence change creates a premature translational stop signal (p.Gln383*) in the C8A gene. It is expected to result in an absent or disrupted protein product. Loss-of-function variants in C8A are known to be pathogenic (PMID: 9759902). This variant is present in population databases (rs774933076, gnomAD 0.006%). This variant has not been reported in the literature in individuals affected with C8A-related conditions. For these reasons, this variant has been classified as Pathogenic.

Literature cited by the submitters: PubMed 9759902.